The following is an entry in ClinVar:

NM_020964.3(EPG5):c.1825G>A (p.Glu609Lys)

Gene: EPG5 (ectopic P-granules 5 autophagy tethering factor; minus strand). Cytogenetic location: 18q21.1.
Variant type: single nucleotide variant.
Coding change: c.1825G>A on transcript NM_020964.3 (MANE Select); coding-DNA position 1825, G replaced by A.
Protein change: p.Glu609Lys; replaces glutamic acid 609 with lysine.
Molecular consequence: missense variant.
Genome position (GRCh38, 1-based): chr18:45,943,279, C>T on the plus strand (G>A on the coding strand, the complement: EPG5 is on the minus strand). VCF-style: chr18-45943279-C-T. GRCh37 (hg19) VCF-style: chr18-43523245-C-T.
Other names: c.1825G>A, p.Glu609Lys (NM_001410858.1, NM_001410859.1); short protein forms E609K.
Identifiers: ClinVar variation 1896266 (VCV001896266.2), dbSNP rs2050711067, ClinGen allele CA402348486.

ClinVar aggregate classification (germline): Uncertain significance (1 of 4 stars; one submission).

Conditions:
Vici syndrome (VICIS). Identifiers: Orphanet 1493, MedGen C1855772, MONDO:0009452, OMIM 242840.

Allele frequency attached by ClinVar (database versions not stated): gnomAD exomes below 0.00001; TOPMed below 0.00001.

Submission:

Labcorp Genetics (formerly Invitae), Labcorp
Classification: Uncertain significance for Vici syndrome. Last evaluated: 2022-08-20. Review status: criteria provided, single submitter. Criteria: Invitae Variant Classification Sherloc (09022015). Collection method: clinical testing. Allele origin: germline.
Comment: This sequence change replaces glutamic acid, which is acidic and polar, with lysine, which is basic and polar, at codon 609 of the EPG5 protein (p.Glu609Lys). This variant is not present in population databases (gnomAD no frequency). This variant has not been reported in the literature in individuals affected with EPG5-related conditions. Algorithms developed to predict the effect of missense changes on protein structure and function are either unavailable or do not agree on the potential impact of this missense change (SIFT: "Deleterious"; PolyPhen-2: "Probably Damaging"; Align-GVGD: "Class C0"). In summary, the available evidence is currently insufficient to determine the role of this variant in disease. Therefore, it has been classified as a Variant of Uncertain Significance.